The following is an entry in ClinVar:

ClinVar aggregate classification (germline): Benign/Likely benign. Review status: criteria provided, multiple submitters, no conflicts (2 of 4 stars). 11 submissions from 11 submitters: Benign (1); Likely benign (8). 2 of the submissions do not count toward it. Last evaluated 2026-08-01.

Conditions:
RNASEH2A-related disorder. Also called: RNASEH2A-related condition.
Aicardi-Goutieres syndrome 4. Identifiers: Orphanet 51, MedGen C1835912, MONDO:0012472, OMIM 610333.

Allele frequency attached by ClinVar (database versions not stated): ESP Exome Variant Server 0.00031; gnomAD 0.00038 and 0.00048; TOPMed 0.00055; 1000 Genomes Project 0.00060; 1000 Genomes Project 30x 0.00062; gnomAD exomes 0.00063 and 0.00064; ExAC 0.00072.
gnomAD v4.1: 1,011 of 1,614,168 alleles (0.063%); highest among the groups gnomAD compares: Middle Eastern, 0.5%; 2 homozygotes.

Submissions (11):

CeGaT Center for Human Genetics Tuebingen
Classification: Likely benign. Last evaluated: 2026-08-01. Review status: criteria provided, single submitter. Criteria: CeGaT Center For Human Genetics Tuebingen Variant Classification Criteria Version 2. Collection method: clinical testing. Allele origin: germline. Affected: yes. Observed: 8 variant alleles.
Comment: RNASEH2A: BP4

Labcorp Genetics (formerly Invitae), Labcorp
Classification: Benign for Aicardi-Goutieres syndrome 4. Last evaluated: 2026-01-18. Review status: criteria provided, single submitter. Criteria: Invitae Variant Classification Sherloc (09022015). Collection method: clinical testing. Allele origin: germline.

Women's Health and Genetics/Laboratory Corporation of America, LabCorp
Classification: Likely benign. Last evaluated: 2025-03-03. Review status: criteria provided, single submitter. Criteria: LabCorp Variant Classification Summary - May 2015. Collection method: clinical testing. Allele origin: germline.
Comment: Variant summary: RNASEH2A c.662A>G (p.Lys221Arg) results in a conservative amino acid change in the encoded protein sequence. Five of five in-silico tools predict a benign effect of the variant on protein function. The variant allele was found at a frequency of 0.00064 in 251354 control chromosomes, predominantly at a frequency of 0.0026 within the South Asian subpopulation in the gnomAD database, including 1 homozygotes. The observed variant frequency within South Asian control individuals in the gnomAD database exceeds the estimated maximal expected allele frequency for a pathogenic variant in RNASEH2A causing Aicardi-Goutieres syndrome 4 phenotype. c.662A>G has been reported in the literature in individuals with symptoms that could be consistent with Aicardi-Goutieres syndrome (e.g., Almlof_2019, Gunther_2015, McCreary_2022). These reports do not provide unequivocal conclusions about association of the variant with Aicardi-Goutieres syndrome 4. At least one publication reports experimental evidence evaluating an impact on protein function (Gunther_2015). These results showed no significant damaging effect of this variant when compared to wild type. ClinVar contains an entry for this variant (Variation ID: 328294). Based on the evidence outlined above, the variant was classified as likely benign.

Laboratory of Genetics, Children's Clinical University Hospital Latvia
Classification: Likely benign. Last evaluated: 2025-02-16. Review status: criteria provided, single submitter. Criteria: ACMG Guidelines, 2015. Collection method: clinical testing. Allele origin: germline. Affected: yes.

Blueprint Genetics
Classification: Likely benign. Last evaluated: 2024-11-21. Review status: criteria provided, single submitter. Criteria: ACMG Guidelines, 2015. Collection method: clinical testing. Allele origin: germline.

Illumina Laboratory Services, Illumina
Classification: Likely benign for Aicardi-Goutieres syndrome 4. Last evaluated: 2018-01-13. Review status: criteria provided, single submitter. Criteria: ICSL Variant Classification Criteria 13 December 2019. Collection method: clinical testing. Allele origin: germline.
Comment: This variant was observed in the ICSL laboratory as part of a predisposition screen in an ostensibly healthy population. It had not been previously curated by ICSL or reported in the Human Gene Mutation Database (HGMD: prior to June 1st, 2018), and was therefore a candidate for classification through an automated scoring system. Utilizing variant allele frequency, disease prevalence and penetrance estimates, and inheritance mode, an automated score was calculated to assess if this variant is too frequent to cause the disease. Based on the score and internal cut-off values, a variant classified as likely benign is not then subjected to further curation. The score for this variant resulted in a classification of likely benign for this disease.

Clinical Genetics DNA and cytogenetics Diagnostics Lab, Erasmus MC, Erasmus Medical Center
Classification: Likely benign for Aicardi-Goutieres syndrome 4. Last evaluated: 2015-09-21. Review status: criteria provided, single submitter. Criteria: ACGS Guidelines, 2013. Collection method: clinical testing. Allele origin: germline. Affected: yes. Study: VKGL Data-share Consensus.

Genome Diagnostics Laboratory, University Medical Center Utrecht
Classification: Likely benign for Aicardi-Goutieres syndrome 4. Last evaluated: 2014-12-07. Review status: criteria provided, single submitter. Criteria: ACGS Guidelines, 2013. Collection method: clinical testing. Allele origin: germline. Affected: yes. Study: VKGL Data-share Consensus.

Breakthrough Genomics
Classification: Likely benign. Review status: criteria provided, single submitter. Criteria: ACMG Guidelines, 2015. Collection method: not provided. Allele origin: germline. Inheritance: Autosomal recessive inheritance. Affected: yes.

PreventionGenetics, part of Exact Sciences
Classification: Likely benign for RNASEH2A-related condition. Last evaluated: 2022-02-14. Review status: no assertion criteria provided. Collection method: clinical testing. Allele origin: germline. Not counted in ClinVar's aggregate classification.
Comment: This variant is classified as likely benign based on ACMG/AMP sequence variant interpretation guidelines (Richards et al. 2015 PMID: 25741868, with internal and published modifications).

Laboratory of Diagnostic Genome Analysis, Leiden University Medical Center (LUMC)
Classification: Likely benign. Review status: no assertion criteria provided. Collection method: clinical testing. Allele origin: germline. Affected: yes. Study: VKGL Data-share Consensus. Not counted in ClinVar's aggregate classification.

Literature cited by the submitters: PubMed 25500883 (cited by Women's Health and Genetics/Laboratory Corporation of America, LabCorp); PubMed 36203604 (cited by Women's Health and Genetics/Laboratory Corporation of America, LabCorp); PubMed 30707351 (cited by Women's Health and Genetics/Laboratory Corporation of America, LabCorp).

NM_006397.3(RNASEH2A):c.662A>G (p.Lys221Arg)

Gene: RNASEH2A (ribonuclease H2 subunit A; plus strand). Cytogenetic location: 19p13.13.
Variant type: single nucleotide variant.
Coding change: c.662A>G on transcript NM_006397.3 (MANE Select); coding-DNA position 662, A replaced by G.
Protein change: p.Lys221Arg; replaces lysine 221 with arginine.
Molecular consequence: missense variant.
Genome position (GRCh38, 1-based): chr19:12,813,107, A>G. VCF-style: chr19-12813107-A-G. GRCh37 (hg19) VCF-style: chr19-12923921-A-G.
Other names: short protein forms K221R.
Identifiers: ClinVar variation 328294 (VCV000328294.45), dbSNP rs143534021, ClinGen allele CA9232003.